The following is an entry in ClinVar:

ClinVar aggregate classification (germline): Uncertain significance (1 of 4 stars; one submission).

Conditions:
Cardiovascular phenotype. Identifiers: MedGen CN230736.
Hereditary cancer-predisposing syndrome. Also called: Hereditary neoplastic syndrome; Neoplastic Syndromes, Hereditary; Tumor predisposition; Hereditary Cancer Syndrome. Identifiers: Orphanet 140162, MedGen C0027672, MeSH D009386, MONDO:0015356.

Submission:

Ambry Genetics
Classification: Uncertain significance for Cardiovascular phenotype; Hereditary cancer-predisposing syndrome. Last evaluated: 2025-06-19. Review status: criteria provided, single submitter. Criteria: Ambry Variant Classification Scheme 2023. Collection method: clinical testing. Allele origin: germline.
Comment: The p.G1692R variant (also known as c.5074G>A), located in coding exon 36 of the NF1 gene, results from a G to A substitution at nucleotide position 5074. The glycine at codon 1692 is replaced by arginine, an amino acid with dissimilar properties. This amino acid position is conserved. In addition, this alteration is predicted to be tolerated by in silico analysis. Based on the available evidence, the clinical significance of this variant remains unclear.

NM_001042492.3(NF1):c.5137G>A (p.Gly1713Arg)

Gene: NF1 (neurofibromin 1; plus strand). Cytogenetic location: 17q11.2.
Variant type: single nucleotide variant.
Coding change: c.5137G>A on transcript NM_001042492.3 (MANE Select); coding-DNA position 5137, G replaced by A.
Protein change: p.Gly1713Arg; replaces glycine 1713 with arginine.
Molecular consequence: missense variant.
Genome position (GRCh38, 1-based): chr17:31,326,121, G>A. VCF-style: chr17-31326121-G-A. GRCh37 (hg19) VCF-style: chr17-29653139-G-A.
Other names: c.5074G>A, p.Gly1692Arg (NM_000267.4); short protein forms G1713R, G1692R.
Identifiers: ClinVar variation 4119059 (VCV004119059.1).